The following is an entry in ClinVar:

ClinVar aggregate classification (germline): Uncertain significance (1 of 4 stars; one submission).

Allele frequency attached by ClinVar (database versions not stated): gnomAD exomes below 0.00001; ExAC 0.00001.

Submission:

Labcorp Genetics (formerly Invitae), Labcorp
Classification: Uncertain significance. Last evaluated: 2021-09-08. Review status: criteria provided, single submitter. Criteria: Invitae Variant Classification Sherloc (09022015). Collection method: clinical testing. Allele origin: germline.
Comment: This sequence change replaces proline with leucine at codon 539 of the COL18A1 protein (p.Pro539Leu). There is a moderate physicochemical difference between proline and leucine. This variant is present in population databases (rs757733022, ExAC 0.002%). This variant has not been reported in the literature in individuals affected with COL18A1-related conditions. Experimental studies and prediction algorithms are not available or were not evaluated, and the functional significance of this variant is currently unknown. In summary, the available evidence is currently insufficient to determine the role of this variant in disease. Therefore, it has been classified as a Variant of Uncertain Significance.

NM_001379500.1(COL18A1):c.1616C>T (p.Pro539Leu)

Gene: COL18A1 (collagen type XVIII alpha 1 chain; plus strand). Cytogenetic location: 21q22.3.
Variant type: single nucleotide variant.
Coding change: c.1616C>T on transcript NM_001379500.1 (MANE Select); coding-DNA position 1616, C replaced by T.
Protein change: p.Pro539Leu; replaces proline 539 with leucine.
Molecular consequence: missense variant.
Genome position (GRCh38, 1-based): chr21:45,481,967, C>T. VCF-style: chr21-45481967-C-T. GRCh37 (hg19) VCF-style: chr21-46901881-C-T.
Other names: c.2156C>T, p.Pro719Leu (NM_030582.4); c.2861C>T, p.Pro954Leu (NM_130444.3); short protein forms P539L, P719L, P954L.
Identifiers: ClinVar variation 1498977 (VCV001498977.6), dbSNP rs757733022, ClinGen allele CA10066428.